The following is an entry in ClinVar:

NM_021076.4(NEFH):c.158C>A (p.Thr53Lys)

Gene: NEFH (neurofilament heavy chain; plus strand). Cytogenetic location: 22q12.2.
Variant type: single nucleotide variant.
Coding change: c.158C>A on transcript NM_021076.4 (MANE Select); coding-DNA position 158, C replaced by A.
Protein change: p.Thr53Lys; replaces threonine 53 with lysine.
Molecular consequence: missense variant.
Genome position (GRCh38, 1-based): chr22:29,480,420, C>A. VCF-style: chr22-29480420-C-A. GRCh37 (hg19) VCF-style: chr22-29876409-C-A.
Other names: short protein forms T53K.
Identifiers: ClinVar variation 1463145 (VCV001463145.6), dbSNP rs772280985, ClinGen allele CA411121664.
Genomic context (GRCh38, chr22:29,480,420, plus strand): 5'-GCGCAGGCGGGACGCGCTCCGCCGCTGGCTCCTCCAGCGGCTTCCACTCGTGGACACGGA[C>A]GTCCGTGAGCTCCGTGTCCGCCTCGCCCAGCCGCTTCCGTGGCGCAGGCGCCGCCTCAAG-3'
Protein context (NP_066554.2, residues 43-63): SSSGFHSWTR[Thr53Lys]SVSSVSASPS

ClinVar aggregate classification (germline): Uncertain significance (1 of 4 stars; one submission).

Allele frequency attached by ClinVar (database versions not stated): gnomAD exomes 0.00001.

Submission:

Labcorp Genetics (formerly Invitae), Labcorp
Classification: Uncertain significance. Last evaluated: 2022-03-02. Review status: criteria provided, single submitter. Criteria: Invitae Variant Classification Sherloc (09022015). Collection method: clinical testing. Allele origin: germline.
Comment: In summary, the available evidence is currently insufficient to determine the role of this variant in disease. Therefore, it has been classified as a Variant of Uncertain Significance. Advanced modeling of protein sequence and biophysical properties (such as structural, functional, and spatial information, amino acid conservation, physicochemical variation, residue mobility, and thermodynamic stability) performed at Invitae indicates that this missense variant is not expected to disrupt NEFH protein function. This variant has not been reported in the literature in individuals affected with NEFH-related conditions. The frequency data for this variant in the population databases is considered unreliable, as metrics indicate poor data quality at this position in the gnomAD database. This sequence change replaces threonine, which is neutral and polar, with lysine, which is basic and polar, at codon 53 of the NEFH protein (p.Thr53Lys).